The following is an entry in ClinVar:

NM_001134363.3(RBM20):c.639C>G (p.Ile213Met)

Gene: RBM20 (RNA binding motif protein 20; plus strand). Cytogenetic location: 10q25.2.
Variant type: single nucleotide variant.
Coding change: c.639C>G on transcript NM_001134363.3 (MANE Select); coding-DNA position 639, C replaced by G.
Protein change: p.Ile213Met; replaces isoleucine 213 with methionine.
Molecular consequence: missense variant.
Genome position (GRCh38, 1-based): chr10:110,781,248, C>G. VCF-style: chr10-110781248-C-G. GRCh37 (hg19) VCF-style: chr10-112541006-C-G.
Other names: short protein forms I213M.
Identifiers: ClinVar variation 2912871 (VCV002912871.3), dbSNP rs2493410964, ClinGen allele CA378381792.
Genomic context (GRCh38, chr10:110,781,248, plus strand): 5'-CATGGTGATGCATCCTTTCACTGGGGTAATGCCTCAGACCCCTGGCCAGCCAGCAGTCAT[C>G]TTGGGCATTGGCAAGACTGGGCCTGCTCCAGCTACAGCAGGATTCTATGAGTATGGCAAA-3'
Protein context (NP_001127835.2, residues 203-223): MPQTPGQPAV[Ile213Met]LGIGKTGPAP

ClinVar aggregate classification (germline): Uncertain significance (1 of 4 stars; one submission).

Conditions:
Dilated cardiomyopathy 1DD (CMD1DD). Identifiers: Orphanet 154, MedGen C2750995, MONDO:0013168, OMIM 613172.

Submission:

Labcorp Genetics (formerly Invitae), Labcorp
Classification: Uncertain significance for Dilated cardiomyopathy 1DD. Last evaluated: 2023-10-20. Review status: criteria provided, single submitter. Criteria: Invitae Variant Classification Sherloc (09022015). Collection method: clinical testing. Allele origin: germline.
Comment: This sequence change replaces isoleucine, which is neutral and non-polar, with methionine, which is neutral and non-polar, at codon 213 of the RBM20 protein (p.Ile213Met). This variant is not present in population databases (gnomAD no frequency). This variant has not been reported in the literature in individuals affected with RBM20-related conditions. Advanced modeling of protein sequence and biophysical properties (such as structural, functional, and spatial information, amino acid conservation, physicochemical variation, residue mobility, and thermodynamic stability) performed at Invitae indicates that this missense variant is not expected to disrupt RBM20 protein function. In summary, the available evidence is currently insufficient to determine the role of this variant in disease. Therefore, it has been classified as a Variant of Uncertain Significance.